The following is an entry in ClinVar:

ClinVar aggregate classification (germline): Uncertain significance (1 of 4 stars; one submission).

Conditions:
Hereditary cancer-predisposing syndrome. Also called: Neoplastic Syndromes, Hereditary; Tumor predisposition; Hereditary Cancer Syndrome; Hereditary neoplastic syndrome. Identifiers: Orphanet 140162, MedGen C0027672, MeSH D009386, MONDO:0015356.

Submission:

Ambry Genetics
Classification: Uncertain significance for Hereditary cancer-predisposing syndrome. Last evaluated: 2026-07-09. Review status: criteria provided, single submitter. Criteria: Ambry Variant Classification Scheme 2023. Collection method: clinical testing. Allele origin: germline.
Comment: The p.D702G variant (also known as c.2105A>G), located in coding exon 19 of the TSC2 gene, results from an A to G substitution at nucleotide position 2105. The aspartic acid at codon 702 is replaced by glycine, an amino acid with similar properties. This amino acid position is conserved. In addition, this alteration is predicted to be deleterious by in silico analysis. Based on the available evidence, the clinical significance of this variant remains unclear.

NM_000548.5(TSC2):c.2105A>G (p.Asp702Gly)

Gene: TSC2 (TSC complex subunit 2; plus strand). Cytogenetic location: 16p13.3.
Variant type: single nucleotide variant.
Coding change: c.2105A>G on transcript NM_000548.5 (MANE Select); coding-DNA position 2105, A replaced by G.
Protein change: p.Asp702Gly; replaces aspartic acid 702 with glycine.
Molecular consequence: missense variant. On other transcripts: non-coding transcript variant (5).
Genome position (GRCh38, 1-based): chr16:2,072,248, A>G. VCF-style: chr16-2072248-A-G. GRCh37 (hg19) VCF-style: chr16-2122249-A-G.
Other names: c.2105A>G, p.Asp702Gly (NM_001114382.3, NM_001363528.2, NM_001370404.1 and 6 more transcripts); c.1994A>G, p.Asp665Gly (NM_001318827.2, NM_001406670.1, NM_001406678.1); c.1958A>G, p.Asp653Gly (NM_001318829.2, NM_001406675.1, NM_001406676.1 and 1 more transcripts); c.1505A>G, p.Asp502Gly (NM_001318831.2, NM_001406680.1, NM_001406682.1 and 6 more transcripts); c.2138A>G, p.Asp713Gly (NM_001318832.2); c.2195A>G, p.Asp732Gly (NM_001406667.1, NM_001406668.1); c.2093A>G, p.Asp698Gly (NM_001406671.1, NM_001406673.1); c.2048A>G, p.Asp683Gly (NM_001406677.1); and 3 more; short protein forms D254G, D548G, D665G, D702G, D732G, D168G, D713G, D502G.
Identifiers: ClinVar variation 3974693 (VCV003974693.2).